The following is an entry in ClinVar:

ClinVar aggregate classification (germline): Uncertain significance. Review status: criteria provided, multiple submitters, no conflicts (2 of 4 stars). 2 submissions from 2 submitters: Uncertain significance (2). Last evaluated 2025-02-14.

Conditions:
Hereditary cancer-predisposing syndrome. Also called: Neoplastic Syndromes, Hereditary; Tumor predisposition; Hereditary neoplastic syndrome; Hereditary Cancer Syndrome. Identifiers: Orphanet 140162, MedGen C0027672, MeSH D009386, MONDO:0015356.

gnomAD v4.1: 1 of 1,614,158 alleles (0.000062%); highest among the groups gnomAD compares: Non-Finnish European, 0.000085%; no homozygotes.

Submissions (2):

Ambry Genetics
Classification: Uncertain significance for Hereditary cancer-predisposing syndrome. Last evaluated: 2025-02-14. Review status: criteria provided, single submitter. Criteria: Ambry Variant Classification Scheme 2023. Collection method: clinical testing. Allele origin: germline.
Comment: The p.F524S variant (also known as c.1571T>C), located in coding exon 15 of the POLE gene, results from a T to C substitution at nucleotide position 1571. The phenylalanine at codon 524 is replaced by serine, an amino acid with highly dissimilar properties. This amino acid position is highly conserved in available vertebrate species. In addition, the in silico prediction for this alteration is inconclusive. Based on the available evidence, the clinical significance of this variant remains unclear.

Labcorp Genetics (formerly Invitae), Labcorp
Classification: Uncertain significance. Last evaluated: 2024-06-10. Review status: criteria provided, single submitter. Criteria: Invitae Variant Classification Sherloc (09022015). Collection method: clinical testing. Allele origin: germline.
Comment: This sequence change replaces phenylalanine, which is neutral and non-polar, with serine, which is neutral and polar, at codon 524 of the POLE protein (p.Phe524Ser). This variant is not present in population databases (gnomAD no frequency). This variant has not been reported in the literature in individuals affected with POLE-related conditions. Advanced modeling of protein sequence and biophysical properties (such as structural, functional, and spatial information, amino acid conservation, physicochemical variation, residue mobility, and thermodynamic stability) performed at Invitae indicates that this missense variant is not expected to disrupt POLE protein function with a negative predictive value of 80%. In summary, the available evidence is currently insufficient to determine the role of this variant in disease. Therefore, it has been classified as a Variant of Uncertain Significance.

NM_006231.4(POLE):c.1571T>C (p.Phe524Ser)

Gene: POLE (DNA polymerase epsilon, catalytic subunit; minus strand). Cytogenetic location: 12q24.33.
Variant type: single nucleotide variant.
Coding change: c.1571T>C on transcript NM_006231.4 (MANE Select); coding-DNA position 1571, T replaced by C.
Protein change: p.Phe524Ser; replaces phenylalanine 524 with serine.
Molecular consequence: missense variant.
Genome position (GRCh38, 1-based): chr12:132,672,742, A>G on the plus strand (T>C on the coding strand, the complement: POLE is on the minus strand). VCF-style: chr12-132672742-A-G. GRCh37 (hg19) VCF-style: chr12-133249328-A-G.
Other names: c.1571T>C (NM_006231.2); short protein forms F524S.
Identifiers: ClinVar variation 2723094 (VCV002723094.4), dbSNP rs1234183382, ClinGen allele CA387357011.
Genomic context (GRCh38, chr12:132,672,742, plus strand): 5'-ACGTGGCCCCCGACGTAGGTCTCAGAGTCCAGCACGTGTCCGTCGTCCGTCAGCTTATTG[A>G]ACTCCTGCTCTTGCTTGTTGGGGAAGATGATGTTGGCGTGGAAGGCCTGCACCATCAGCA-3'
Protein context (NP_006222.2, residues 514-534): IIFPNKQEQE[Phe524Ser]NKLTDDGHVL